The following is an entry in ClinVar:

ClinVar aggregate classification (germline): Pathogenic (1 of 4 stars; one submission).

Conditions:
Tay-Sachs disease (TSD). Also called: HEXA DEFICIENCY; GM2 gangliosidosis, type 1; Hexosaminidase alpha-subunit deficiency (variant B); Sphingolipidosis, Tay-Sachs; Hexosaminidase A Deficiency; HEXA Disorders. Identifiers: Orphanet 845, MedGen C0039373, MONDO:0010100, OMIM 272800.

Submission:

Labcorp Genetics (formerly Invitae), Labcorp
Classification: Pathogenic for Tay-Sachs disease. Last evaluated: 2023-08-29. Review status: criteria provided, single submitter. Criteria: Invitae Variant Classification Sherloc (09022015). Collection method: clinical testing. Allele origin: germline.
Comment: For these reasons, this variant has been classified as Pathogenic. ClinVar contains an entry for this variant (Variation ID: 1368819). This variant has not been reported in the literature in individuals affected with HEXA-related conditions. This variant is not present in population databases (gnomAD no frequency). This sequence change creates a premature translational stop signal (p.Pro313Glnfs*27) in the HEXA gene. It is expected to result in an absent or disrupted protein product. Loss-of-function variants in HEXA are known to be pathogenic (PMID: 1833974, 8490625).

Literature cited by the submitters: PubMed 1833974; PubMed 8490625.

NM_000520.6(HEXA):c.938del (p.Pro313fs)

Gene: HEXA (hexosaminidase subunit alpha; minus strand). Cytogenetic location: 15q23.
Variant type: Deletion.
Coding change: c.938del on transcript NM_000520.6 (MANE Select); coding-DNA position 938, one base deleted (C; older notation c.938delC).
Protein change: p.Pro313fs; shifts the reading frame from proline 313.
Molecular consequence: frameshift variant. On other transcripts: non-coding transcript variant (1).
Genome position (GRCh38, 1-based): chr15:72,349,127, G deleted on the plus strand (C on the coding strand, the reverse complement: HEXA is on the minus strand); the first of 3 consecutive G bases (chr15:72,349,127-72,349,129); deleting any one gives the same sequence. VCF-style (leftmost placement, unchanged base first): chr15-72349126-TG-T. GRCh37 (hg19) VCF-style: chr15-72641467-TG-T.
Other names: c.971del, p.Pro324fs (NM_001318825.2); short protein forms P313fs, P324fs.
Identifiers: ClinVar variation 1368819 (VCV001368819.6), dbSNP rs2140322934, ClinGen allele CA2573151167.